The following is an entry in ClinVar:

NM_000465.4(BARD1):c.370A>G (p.Lys124Glu)

Gene: BARD1 (BRCA1 associated RING domain 1; minus strand). Cytogenetic location: 2q35.
Variant type: single nucleotide variant.
Coding change: c.370A>G on transcript NM_000465.4 (MANE Select); coding-DNA position 370, A replaced by G.
Protein change: p.Lys124Glu; replaces lysine 124 with glutamic acid.
Molecular consequence: missense variant. On other transcripts: non-coding transcript variant (2), intron variant (3).
Genome position (GRCh38, 1-based): chr2:214,781,504, T>C on the plus strand (A>G on the coding strand, the complement: BARD1 is on the minus strand). VCF-style: chr2-214781504-T-C. GRCh37 (hg19) VCF-style: chr2-215646228-T-C.
Other names: c.370A>G (NM_000465.2); c.313A>G, p.Lys105Glu (NM_001282543.2); c.158+27908A>G (NM_001282548.2); c.215+15557A>G (NM_001282545.2); c.364+10793A>G (NM_001282549.2); short protein forms K124E, K105E.
Identifiers: ClinVar variation 584501 (VCV000584501.11), dbSNP rs1559426408, ClinGen allele CA350458387.
Genomic context (GRCh38, chr2:214,781,504, plus strand): 5'-TAATTGAATTCTTCTTGTTTCCTGCATCATTAAACAAACTTTTCCTAGGTTTATCTTCTT[T>C]CAAATCTGACAGAAAAAAAGAAAAAGAAATCTGTTACATGAAATTTATTGCTCCCACATG-3'
Protein context (NP_000456.2, residues 114-134): LLHDNELSDL[Lys124Glu]EDKPRKSLFN

ClinVar aggregate classification (germline): Uncertain significance. Review status: criteria provided, multiple submitters, no conflicts (2 of 4 stars). 4 submissions from 4 submitters: Uncertain significance (4). Last evaluated 2025-09-15.

Conditions:
Familial cancer of breast. Also called: Hereditary breast cancer; hereditary breast carcinoma; BREAST CANCER, FAMILIAL. Identifiers: Orphanet 227535, MedGen C0346153, MONDO:0016419, OMIM 114480. Disease mechanism: loss of function.
Hereditary cancer-predisposing syndrome. Also called: Neoplastic Syndromes, Hereditary; Hereditary Cancer Syndrome; Tumor predisposition; Hereditary neoplastic syndrome. Identifiers: Orphanet 140162, MedGen C0027672, MeSH D009386, MONDO:0015356.

Submissions (4):

Color Diagnostics, LLC DBA Color Health
Classification: Uncertain significance for Hereditary cancer-predisposing syndrome. Last evaluated: 2025-09-15. Review status: criteria provided, single submitter. Criteria: ACMG Guidelines, 2015. Collection method: clinical testing. Allele origin: germline.
Comment: This missense variant replaces lysine with glutamic acid at codon 124 of the BARD1 protein. Computational prediction suggests that this variant may not impact protein structure and function. To our knowledge, functional studies have not been reported for this variant. This variant has been reported in an individual referred for genetic testing (PMID: 31159747). This variant has not been identified in the general population by the Genome Aggregation Database (gnomAD). The available evidence is insufficient to determine the role of this variant in disease conclusively. Therefore, this variant is classified as a Variant of Uncertain Significance.

Ambry Genetics
Classification: Uncertain significance for Hereditary cancer-predisposing syndrome. Last evaluated: 2024-06-17. Review status: criteria provided, single submitter. Criteria: Ambry Variant Classification Scheme 2023. Collection method: clinical testing. Allele origin: germline.
Comment: The p.K124E variant (also known as c.370A>G), located in coding exon 4 of the BARD1 gene, results from an A to G substitution at nucleotide position 370. The lysine at codon 124 is replaced by glutamic acid, an amino acid with similar properties. This amino acid position is not well conserved in available vertebrate species, and glutamic acid is the reference amino acid in other vertebrate species. In addition, this alteration is predicted to be tolerated by in silico analysis. Based on the available evidence, the clinical significance of this variant remains unclear.

Labcorp Genetics (formerly Invitae), Labcorp
Classification: Uncertain significance for Familial cancer of breast. Last evaluated: 2024-04-22. Review status: criteria provided, single submitter. Criteria: Invitae Variant Classification Sherloc (09022015). Collection method: clinical testing. Allele origin: germline.
Comment: This sequence change replaces lysine, which is basic and polar, with glutamic acid, which is acidic and polar, at codon 124 of the BARD1 protein (p.Lys124Glu). This variant is not present in population databases (gnomAD no frequency). This missense change has been observed in individual(s) with personal or family history of breast and/or ovarian cancer (PMID: 31159747). ClinVar contains an entry for this variant (Variation ID: 584501). Algorithms developed to predict the effect of missense changes on protein structure and function output the following: SIFT: "Not Available"; PolyPhen-2: "Benign"; Align-GVGD: "Not Available". The glutamic acid amino acid residue is found in multiple mammalian species, which suggests that this missense change does not adversely affect protein function. In summary, the available evidence is currently insufficient to determine the role of this variant in disease. Therefore, it has been classified as a Variant of Uncertain Significance.

GeneKor MSA
Classification: Uncertain significance for Hereditary cancer-predisposing syndrome. Last evaluated: 2018-08-01. Review status: criteria provided, single submitter. Criteria: ACMG Guidelines, 2015. Collection method: clinical testing. Allele origin: germline. Affected: yes.

Literature cited by the submitters: PubMed 31159747 (cited by Color Diagnostics, LLC DBA Color Health and Labcorp Genetics (formerly Invitae), Labcorp).